The following is an entry in ClinVar:

ClinVar aggregate classification (germline): Pathogenic. Review status: criteria provided, multiple submitters, no conflicts (2 of 4 stars). 2 submissions from 2 submitters: Pathogenic (2). Last evaluated 2023-10-22.

Conditions:
Primary ciliary dyskinesia. Also called: Ciliary dyskinesia. Identifiers: Orphanet 244, MedGen C0008780, MONDO:0016575, HP:0012265.

Allele frequency attached by ClinVar (database versions not stated): ExAC 0.00001; gnomAD 0.00001; TOPMed 0.00001.
gnomAD v4.1: 4 of 1,613,504 alleles (0.00025%); highest among the groups gnomAD compares: South Asian, 0.0011%; no homozygotes.

Submissions (2):

Labcorp Genetics (formerly Invitae), Labcorp
Classification: Pathogenic for Primary ciliary dyskinesia. Last evaluated: 2023-10-22. Review status: criteria provided, single submitter. Criteria: Invitae Variant Classification Sherloc (09022015). Collection method: clinical testing. Allele origin: germline.
Comment: This sequence change creates a premature translational stop signal (p.Arg1541*) in the DNAH11 gene. It is expected to result in an absent or disrupted protein product. Loss-of-function variants in DNAH11 are known to be pathogenic (PMID: 18022865, 20513915, 22184204). The frequency data for this variant in the population databases is considered unreliable, as metrics indicate poor data quality at this position in the gnomAD database. This variant has not been reported in the literature in individuals affected with DNAH11-related conditions. ClinVar contains an entry for this variant (Variation ID: 238921). Algorithms developed to predict the effect of sequence changes on RNA splicing suggest that this variant may disrupt the consensus splice site. For these reasons, this variant has been classified as Pathogenic.

Ambry Genetics
Classification: Pathogenic for Primary ciliary dyskinesia. Last evaluated: 2019-10-08. Review status: criteria provided, single submitter. Criteria: Ambry Variant Classification Scheme 2023. Collection method: clinical testing. Allele origin: germline.
Comment: The p.R1546* pathogenic mutation (also known as c.4636C>T), located in coding exon 26 of the DNAH11 gene, results from a C to T substitution at nucleotide position 4636. This changes the amino acid from an arginine to a stop codon within coding exon 26. This alteration is expected to result in loss of function by premature protein truncation or nonsense-mediated mRNA decay. As such, this alteration is interpreted as a disease-causing mutation.

Literature cited by the submitters: PubMed 18022865 (cited by Labcorp Genetics (formerly Invitae), Labcorp); PubMed 20513915 (cited by Labcorp Genetics (formerly Invitae), Labcorp); PubMed 22184204 (cited by Labcorp Genetics (formerly Invitae), Labcorp).

NM_001277115.2(DNAH11):c.4621C>T (p.Arg1541Ter)

Gene: DNAH11 (dynein axonemal heavy chain 11; plus strand). Cytogenetic location: 7p15.3.
Variant type: single nucleotide variant.
Coding change: c.4621C>T on transcript NM_001277115.2 (MANE Select); coding-DNA position 4621, C replaced by T.
Protein change: p.Arg1541Ter; replaces arginine 1541 with a stop codon.
Molecular consequence: nonsense.
Genome position (GRCh38, 1-based): chr7:21,635,991, C>T. VCF-style: chr7-21635991-C-T. GRCh37 (hg19) VCF-style: chr7-21675609-C-T.
Other names: c.4636C>T (NM_003777.3); short protein forms R1541*.
Identifiers: ClinVar variation 238921 (VCV000238921.9), dbSNP rs757013900, ClinGen allele CA4180111.